The following is an entry in ClinVar:

NM_001242957.3(MAK):c.1832C>T (p.Ser611Leu)

Gene: MAK (male germ cell associated kinase; minus strand). Cytogenetic location: 6p24.2.
Variant type: single nucleotide variant.
Coding change: c.1832C>T on transcript NM_001242957.3 (MANE Select); coding-DNA position 1832, C replaced by T.
Protein change: p.Ser611Leu; replaces serine 611 with leucine.
Molecular consequence: missense variant. On other transcripts: non-coding transcript variant (2).
Genome position (GRCh38, 1-based): chr6:10,764,567, G>A on the plus strand (C>T on the coding strand, the complement: MAK is on the minus strand). VCF-style: chr6-10764567-G-A. GRCh37 (hg19) VCF-style: chr6-10764800-G-A.
Other names: c.1637C>T, p.Ser546Leu (NM_001242385.2); c.1535C>T, p.Ser512Leu (NM_001377262.1); c.1757C>T, p.Ser586Leu (NM_005906.6); short protein forms S512L, S586L, S611L, S546L.
Identifiers: ClinVar variation 970397 (VCV000970397.8), dbSNP rs1247320073, ClinGen allele CA362719360.

ClinVar aggregate classification (germline): Uncertain significance (1 of 4 stars; one submission).

Allele frequency attached by ClinVar (database versions not stated): gnomAD exomes below 0.00001 and 0.00001.
gnomAD v4.1: 10 of 1,614,048 alleles (0.00062%); highest among the groups gnomAD compares: Non-Finnish European, 0.00085%; no homozygotes.

Submission:

Labcorp Genetics (formerly Invitae), Labcorp
Classification: Uncertain significance. Last evaluated: 2023-04-24. Review status: criteria provided, single submitter. Criteria: Invitae Variant Classification Sherloc (09022015). Collection method: clinical testing. Allele origin: germline.
Comment: In summary, the available evidence is currently insufficient to determine the role of this variant in disease. Therefore, it has been classified as a Variant of Uncertain Significance. Algorithms developed to predict the effect of sequence changes on RNA splicing suggest that this variant may disrupt the consensus splice site. Advanced modeling of protein sequence and biophysical properties (such as structural, functional, and spatial information, amino acid conservation, physicochemical variation, residue mobility, and thermodynamic stability) performed at Invitae indicates that this missense variant is not expected to disrupt MAK protein function. ClinVar contains an entry for this variant (Variation ID: 970397). This variant has not been reported in the literature in individuals affected with MAK-related conditions. This variant is present in population databases (no rsID available, gnomAD 0.0009%). This sequence change replaces serine, which is neutral and polar, with leucine, which is neutral and non-polar, at codon 611 of the MAK protein (p.Ser611Leu).